The following is an entry in ClinVar:

ClinVar aggregate classification (germline): Uncertain significance. Review status: criteria provided, multiple submitters, no conflicts (2 of 4 stars). 2 submissions from 2 submitters: Uncertain significance (2). Last evaluated 2024-11-22.

Conditions:
Inborn genetic diseases. Identifiers: MedGen C0950123, MeSH D030342.

Allele frequency attached by ClinVar (database versions not stated): TOPMed below 0.00001.

Submissions (2):

GeneDx
Classification: Uncertain significance. Last evaluated: 2024-11-22. Review status: criteria provided, single submitter. Criteria: GeneDx Variant Classification Process June 2021. Collection method: clinical testing. Allele origin: germline. Affected: yes.
Comment: Nonsense variant predicted to result in protein truncation as the last 1560 amino acid(s) are lost with an unclear effect on protein function; Seen as mosaic and co-observed with a de novo SAMD9 variant that the authors consider pathogenic in an individual with MIRAGE syndrome (PMID: 39348076); Not observed at significant frequency in large population cohorts (gnomAD); This variant is associated with the following publications: (PMID: 39348076)

Ambry Genetics
Classification: Uncertain significance for Inborn genetic diseases. Last evaluated: 2019-11-13. Review status: criteria provided, single submitter. Criteria: Ambry exome assertion method (8-5-2015). Collection method: clinical testing. Allele origin: germline. Affected: yes. Observed: 1 variant allele.

NM_017654.4(SAMD9):c.88C>T (p.Gln30Ter)

Gene: SAMD9 (sterile alpha motif domain containing 9; minus strand). Cytogenetic location: 7q21.2.
Variant type: single nucleotide variant.
Coding change: c.88C>T on transcript NM_017654.4 (MANE Select); coding-DNA position 88, C replaced by T.
Protein change: p.Gln30Ter; replaces glutamine 30 with a stop codon.
Molecular consequence: nonsense.
Genome position (GRCh38, 1-based): chr7:93,106,010, G>A on the plus strand (C>T on the coding strand, the complement: SAMD9 is on the minus strand). VCF-style: chr7-93106010-G-A. GRCh37 (hg19) VCF-style: chr7-92735323-G-A.
Other names: c.88C>T, p.Gln30Ter (NM_001193307.2); short protein forms Q30*.
Identifiers: ClinVar variation 985716 (VCV000985716.4), dbSNP rs1482171921, ClinGen allele CA368206273.